The following is an entry in ClinVar:

ClinVar aggregate classification (germline): Uncertain significance. Review status: criteria provided, multiple submitters, no conflicts (2 of 4 stars). 2 submissions from 2 submitters: Uncertain significance (2). Last evaluated 2026-02-18.

Conditions:
Hereditary cancer-predisposing syndrome. Also called: Hereditary neoplastic syndrome; Tumor predisposition; Neoplastic Syndromes, Hereditary; Hereditary Cancer Syndrome. Identifiers: Orphanet 140162, MedGen C0027672, MeSH D009386, MONDO:0015356.
Multiple endocrine neoplasia type 4. Also called: MULTIPLE ENDOCRINE NEOPLASIA, TYPE IV. Identifiers: Orphanet 276152, MedGen C1970712, MONDO:0012552, OMIM 610755.

Submissions (2):

Ambry Genetics
Classification: Uncertain significance for Hereditary cancer-predisposing syndrome. Last evaluated: 2026-02-18. Review status: criteria provided, single submitter. Criteria: Ambry Variant Classification Scheme 2023. Collection method: clinical testing. Allele origin: germline.
Comment: The p.T157A variant (also known as c.469A>G), located in coding exon 1 of the CDKN1B gene, results from an A to G substitution at nucleotide position 469. The threonine at codon 157 is replaced by alanine, an amino acid with similar properties. This amino acid position is not well conserved in available vertebrate species. In addition, this alteration is predicted to be tolerated by in silico analysis. Based on the available evidence, the clinical significance of this variant remains unclear.

Labcorp Genetics (formerly Invitae), Labcorp
Classification: Uncertain significance for Multiple endocrine neoplasia type 4. Last evaluated: 2024-12-10. Review status: criteria provided, single submitter. Criteria: Invitae Variant Classification Sherloc (09022015). Collection method: clinical testing. Allele origin: germline.
Comment: This sequence change replaces threonine, which is neutral and polar, with alanine, which is neutral and non-polar, at codon 157 of the CDKN1B protein (p.Thr157Ala). This variant is not present in population databases (gnomAD no frequency). This variant has not been reported in the literature in individuals affected with CDKN1B-related conditions. ClinVar contains an entry for this variant (Variation ID: 1364678). An algorithm developed to predict the effect of missense changes on protein structure and function outputs the following: PolyPhen-2: "Benign". The alanine amino acid residue is found in multiple mammalian species, which suggests that this missense change does not adversely affect protein function. In summary, the available evidence is currently insufficient to determine the role of this variant in disease. Therefore, it has been classified as a Variant of Uncertain Significance.

NM_004064.5(CDKN1B):c.469A>G (p.Thr157Ala)

Gene: CDKN1B (cyclin dependent kinase inhibitor 1B; plus strand). Cytogenetic location: 12p13.1.
Variant type: single nucleotide variant.
Coding change: c.469A>G on transcript NM_004064.5 (MANE Select); coding-DNA position 469, A replaced by G.
Protein change: p.Thr157Ala; replaces threonine 157 with alanine.
Molecular consequence: missense variant.
Genome position (GRCh38, 1-based): chr12:12,718,308, A>G. VCF-style: chr12-12718308-A-G. GRCh37 (hg19) VCF-style: chr12-12871242-A-G.
Other names: c.469A>G (NM_004064.3); short protein forms T157A.
Identifiers: ClinVar variation 1364678 (VCV001364678.9), dbSNP rs758325398, ClinGen allele CA383970982.
Genomic context (GRCh38, chr12:12,718,308, plus strand): 5'-CCGTCGGACAGCCAGACGGGGTTAGCGGAGCAATGCGCAGGAATAAGGAAGCGACCTGCA[A>G]CCGACGGTAATGACCCTTTCCCAACCATAGAATGTGTTTGGGGCCCCGCTTTGCCTGCTG-3'
Protein context (NP_004055.1, residues 147-167): QCAGIRKRPA[Thr157Ala]DDSSTQNKRA